The following is an entry in ClinVar:

ClinVar aggregate classification (germline): Uncertain significance (1 of 4 stars; one submission).

Submission:

Labcorp Genetics (formerly Invitae), Labcorp
Classification: Uncertain significance. Last evaluated: 2022-08-16. Review status: criteria provided, single submitter. Criteria: Invitae Variant Classification Sherloc (09022015). Collection method: clinical testing. Allele origin: germline.
Comment: In summary, the available evidence is currently insufficient to determine the role of this variant in disease. Therefore, it has been classified as a Variant of Uncertain Significance. Algorithms developed to predict the effect of missense changes on protein structure and function (SIFT, PolyPhen-2, Align-GVGD) all suggest that this variant is likely to be disruptive. ClinVar contains an entry for this variant (Variation ID: 1389263). This variant has not been reported in the literature in individuals affected with LAMA1-related conditions. This variant is not present in population databases (gnomAD no frequency). This sequence change replaces proline, which is neutral and non-polar, with threonine, which is neutral and polar, at codon 96 of the LAMA1 protein (p.Pro96Thr).

NM_005559.4(LAMA1):c.286C>A (p.Pro96Thr)

Gene: LAMA1 (laminin subunit alpha 1; minus strand). Cytogenetic location: 18p11.31.
Variant type: single nucleotide variant.
Coding change: c.286C>A on transcript NM_005559.4 (MANE Select); coding-DNA position 286, C replaced by A.
Protein change: p.Pro96Thr; replaces proline 96 with threonine.
Molecular consequence: missense variant.
Genome position (GRCh38, 1-based): chr18:7,080,034, G>T on the plus strand (C>A on the coding strand, the complement: LAMA1 is on the minus strand). VCF-style: chr18-7080034-G-T. GRCh37 (hg19) VCF-style: chr18-7080033-G-T.
Other names: short protein forms P96T.
Identifiers: ClinVar variation 1389263 (VCV001389263.6), dbSNP rs779998352, ClinGen allele CA401848669.